The following is an entry in ClinVar:

NM_000302.4(PLOD1):c.-28del

Gene: PLOD1 (procollagen-lysine,2-oxoglutarate 5-dioxygenase 1; plus strand). Cytogenetic location: 1p36.22.
Variant type: Deletion.
Coding change: c.-28del on transcript NM_000302.4 (MANE Select); 28 bases upstream of the start codon, one base deleted (T; older notation c.-28delT).
Molecular consequence: 5 prime UTR variant.
Genome position (GRCh38, 1-based): chr1:11,934,752, T deleted. VCF-style (leftmost placement, unchanged base first): chr1-11934751-GT-G. GRCh37 (hg19) VCF-style: chr1-11994808-GT-G.
Other names: c.-28del (NM_001316320.2).
Identifiers: ClinVar variation 511895 (VCV000511895.1), dbSNP rs1204442973, ClinGen allele CA521197781.

ClinVar aggregate classification (germline): Likely benign (1 of 4 stars; one submission).

Allele frequency attached by ClinVar (database versions not stated): gnomAD exomes 0.00001 and 0.00003; TOPMed 0.00002; gnomAD 0.00003.

Submission:

GeneDx
Classification: Likely benign. Last evaluated: 2017-09-07. Review status: criteria provided, single submitter. Criteria: GeneDx Variant Classification (06012015). Collection method: clinical testing. Allele origin: germline. Affected: yes.
Comment: This variant is considered likely benign or benign based on one or more of the following criteria: it is a conservative change, it occurs at a poorly conserved position in the protein, it is predicted to be benign by multiple in silico algorithms, and/or has population frequency not consistent with disease.